The following is an entry in ClinVar:

ClinVar aggregate classification (germline): Likely pathogenic. Review status: criteria provided, multiple submitters, no conflicts (2 of 4 stars). 2 submissions from 2 submitters: Likely pathogenic (2). Last evaluated 2024-06-14.

Conditions:
Bartter disease type 1. Also called: HYPOKALEMIC ALKALOSIS WITH HYPERCALCIURIA 1, ANTENATAL; HYPERPROSTAGLANDIN E SYNDROME 1; Bartter syndrome, type 1, antenatal; Bartter Syndrome type 1. Identifiers: Orphanet 112, Orphanet 620217, MedGen C1866495, MONDO:0100344, OMIM 601678, MONDO:0011127.

Allele frequency attached by ClinVar (database versions not stated): TOPMed below 0.00001.

Submissions (2):

Fulgent Genetics
Classification: Likely pathogenic for Bartter disease type 1. Last evaluated: 2024-06-14. Review status: criteria provided, single submitter. Criteria: ACMG Guidelines, 2015. Collection method: clinical testing. Allele origin: germline.

Labcorp Genetics (formerly Invitae), Labcorp
Classification: Likely pathogenic. Last evaluated: 2024-01-08. Review status: criteria provided, single submitter. Criteria: Invitae Variant Classification Sherloc (09022015). Collection method: clinical testing. Allele origin: germline.
Comment: This sequence change affects a donor splice site in intron 7 of the SLC12A1 gene. It is expected to disrupt RNA splicing. Variants that disrupt the donor or acceptor splice site typically lead to a loss of protein function (PMID: 16199547), and loss-of-function variants in SLC12A1 are known to be pathogenic (PMID: 8640224, 9585600, 19096086). This variant is not present in population databases (gnomAD no frequency). This variant has not been reported in the literature in individuals affected with SLC12A1-related conditions. Algorithms developed to predict the effect of sequence changes on RNA splicing suggest that this variant may disrupt the consensus splice site. In summary, the currently available evidence indicates that the variant is pathogenic, but additional data are needed to prove that conclusively. Therefore, this variant has been classified as Likely Pathogenic.

Literature cited by the submitters: PubMed 16199547 (cited by Labcorp Genetics (formerly Invitae), Labcorp); PubMed 8640224 (cited by Labcorp Genetics (formerly Invitae), Labcorp); PubMed 9585600 (cited by Labcorp Genetics (formerly Invitae), Labcorp); PubMed 19096086 (cited by Labcorp Genetics (formerly Invitae), Labcorp).

NM_000338.3(SLC12A1):c.975+2T>C

Gene: SLC12A1 (solute carrier family 12 member 1; plus strand). Cytogenetic location: 15q21.1.
Variant type: single nucleotide variant.
Coding change: c.975+2T>C on transcript NM_000338.3 (MANE Select); the canonical splice donor site of the intron after coding-DNA position 975, T replaced by C.
Molecular consequence: splice donor variant.
Genome position (GRCh38, 1-based): chr15:48,230,505, T>C. VCF-style: chr15-48230505-T-C. GRCh37 (hg19) VCF-style: chr15-48522702-T-C.
Other names: c.975+2T>C (NM_001384136.1, NM_001184832.2).
Identifiers: ClinVar variation 2792155 (VCV002792155.4), dbSNP rs201696514, ClinGen allele CA269461203.